The following is an entry in ClinVar:

NM_001386140.1(MTTP):c.316dup (p.Ser106fs)

Gene: MTTP (microsomal triglyceride transfer protein; plus strand). Cytogenetic location: 4q23.
Variant type: Duplication.
Coding change: c.316dup on transcript NM_001386140.1 (MANE Select); coding-DNA position 316, one base duplicated (A; older notation c.316dupA).
Protein change: p.Ser106fs; shifts the reading frame from serine 106.
Molecular consequence: frameshift variant.
Genome position (GRCh38, 1-based): chr4:99,583,440, A duplicated; the last of 5 consecutive A bases (chr4:99,583,436-99,583,440); duplicating any one gives the same sequence. VCF-style (leftmost placement, unchanged base first): chr4-99583435-G-GA. GRCh37 (hg19) VCF-style: chr4-100504592-G-GA.
Other names: c.316dup, p.Ser106fs (NM_000253.4); c.67dup, p.Ser23fs (NM_001300785.2); short protein forms S23fs, S106fs.
Identifiers: ClinVar variation 2028760 (VCV002028760.4), dbSNP rs2476090164, ClinGen allele CA2580071897.

ClinVar aggregate classification (germline): Pathogenic (1 of 4 stars; one submission).

Submission:

Labcorp Genetics (formerly Invitae), Labcorp
Classification: Pathogenic. Last evaluated: 2023-09-08. Review status: criteria provided, single submitter. Criteria: Invitae Variant Classification Sherloc (09022015). Collection method: clinical testing. Allele origin: germline.
Comment: For these reasons, this variant has been classified as Pathogenic. ClinVar contains an entry for this variant (Variation ID: 2028760). This variant has not been reported in the literature in individuals affected with MTTP-related conditions. This variant is not present in population databases (gnomAD no frequency). This sequence change creates a premature translational stop signal (p.Ser106Lysfs*4) in the MTTP gene. It is expected to result in an absent or disrupted protein product. Loss-of-function variants in MTTP are known to be pathogenic (PMID: 8533758, 9671739).

Literature cited by the submitters: PubMed 8533758; PubMed 9671739.